The following is an entry in ClinVar:

NM_001195.5(BFSP1):c.1937delinsAA (p.Val646fs)

Gene: BFSP1 (beaded filament structural protein 1; minus strand). Cytogenetic location: 20p12.1.
Variant type: Indel.
Coding change: c.1937delinsAA on transcript NM_001195.5 (MANE Select); coding-DNA position 1937, T replaced by AA.
Protein change: p.Val646fs; shifts the reading frame from valine 646.
Molecular consequence: frameshift variant.
Genome position (GRCh38, 1-based): chr20:17,494,135, A replaced by TT on the plus strand (T replaced by AA on the coding strand, the reverse complement: BFSP1 is on the minus strand). VCF-style: chr20-17494135-A-TT. GRCh37 (hg19) VCF-style: chr20-17474780-A-TT.
Other names: c.1562delinsAA, p.Val521fs (NM_001161705.2); c.1520delinsAA, p.Val507fs (NM_001278606.2, NM_001278608.2); c.1604delinsAA, p.Val535fs (NM_001278607.2); short protein forms V507fs, V521fs, V535fs, V646fs.
Identifiers: ClinVar variation 541141 (VCV000541141.7), dbSNP rs1555799947, ClinGen allele CA658799345.
Genomic context (GRCh38, chr20:17,494,135, plus strand): 5'-TAAGAGCTCTTCTCTCCTGATTTCTTCTTGTCTGACTTTGTCTTTCCAATCATGGTCTCC[A>TT]CGATCACAGCGGTTTCTTCATATGTCTGAATGCTCTCCGTGGAAATCTTCTCGATAGATT-3'

ClinVar aggregate classification (germline): Uncertain significance. Review status: criteria provided, multiple submitters, no conflicts (2 of 4 stars). 2 submissions from 2 submitters: Uncertain significance (2). Last evaluated 2025-03-12.

Conditions:
Cataract 33. Also called: CATARACT 33, CORTICAL. Identifiers: Orphanet 91492, MedGen C3808107, MONDO:0012665, OMIM 611391.
BFSP1-related disorder. Also called: BFSP1-related condition.

Submissions (2):

PreventionGenetics, part of Exact Sciences
Classification: Uncertain significance for BFSP1-related condition. Last evaluated: 2025-03-12. Review status: criteria provided, single submitter. Criteria: ACMG Guidelines, 2015. Collection method: clinical testing. Allele origin: germline.
Comment: The BFSP1 c.1937delinsAA variant is predicted to result in a frameshift and premature protein termination (p.Val646Glufs*29). To our knowledge, this variant has not been reported in the literature or in a large population database (gnomAD), indicating this variant is rare. However, this variant could also be referred to as two separate variants, c.1937_1938insA and c.1937T>A, and both of these are reported in 0.068% of alleles in individuals of Ashkenazi Jewish descent in gnomAD. Protein truncating variants have not been conclusively shown to cause BFSP1-related disease (Human Gene Mutation Database). At this time, the clinical significance of this variant is uncertain due to the absence of conclusive functional and genetic evidence.

Labcorp Genetics (formerly Invitae), Labcorp
Classification: Uncertain significance for Cataract 33. Last evaluated: 2017-09-18. Review status: criteria provided, single submitter. Criteria: Invitae Variant Classification Sherloc (09022015). Collection method: clinical testing. Allele origin: germline.
Comment: In summary, the available evidence is currently insufficient to determine the role of this variant in disease. Therefore, it has been classified as a Variant of Uncertain Significance. This variant has not been reported in the literature in individuals with BFSP1-related disease. This variant is not present in population databases (ExAC no frequency). This sequence change results in a premature translational stop signal in the BFSP1 gene (p.Glu647Glyfs*28). While this is not anticipated to result in nonsense mediated decay, it is expected to disrupt the last 20 amino acids of the BFSP1 protein. Experimental studies and prediction algorithms are not available for this variant, and the functional significance of the disrupted amino acids is currently unknown.